The following is an entry in ClinVar:

NM_003673.4(TCAP):c.493C>G (p.Gln165Glu)

Gene: TCAP (titin-cap; plus strand). Cytogenetic location: 17q12.
Variant type: single nucleotide variant.
Coding change: c.493C>G on transcript NM_003673.4 (MANE Select); coding-DNA position 493, C replaced by G.
Protein change: p.Gln165Glu; replaces glutamine 165 with glutamic acid.
Molecular consequence: missense variant.
Genome position (GRCh38, 1-based): chr17:39,666,098, C>G. VCF-style: chr17-39666098-C-G. GRCh37 (hg19) VCF-style: chr17-37822351-C-G.
Other names: short protein forms Q165E.
Identifiers: ClinVar variation 44713 (VCV000044713.13), dbSNP rs397516865, ClinGen allele CA134934.
Genomic context (GRCh38, chr17:39,666,098, plus strand): 5'-CCTGTCAGCAAGCCCGGTGCACTTCGTCGCTCCCTGTCCCGCTCCATGTCCCAGGAAGCA[C>G]AGAGAGGCTGAGAGGGACTGTGACTTGGGCTCCGCTGTGCCCGCCCTGGGCTGGGCCCTT-3'
Protein context (NP_003664.1, residues 155-167): SLSRSMSQEA[Gln165Glu]RG

ClinVar aggregate classification (germline): Uncertain significance. Review status: criteria provided, multiple submitters, no conflicts (2 of 4 stars). 2 submissions from 2 submitters: Uncertain significance (2). Last evaluated 2022-12-13.

Conditions:
Hypertrophic cardiomyopathy 25 (CMH25). Also called: CARDIOMYOPATHY, FAMILIAL HYPERTROPHIC, 25. Identifiers: MedGen C4225408, MONDO:0011843, OMIM 607487.
Primary familial hypertrophic cardiomyopathy (HCM). Identifiers: Orphanet 99739, MedGen C0949658, MeSH D024741, MONDO:0024573. Inheritance: Various modes of inheritance.

Submissions (2):

Labcorp Genetics (formerly Invitae), Labcorp
Classification: Uncertain significance for Hypertrophic cardiomyopathy 25; Primary familial hypertrophic cardiomyopathy. Last evaluated: 2022-12-13. Review status: criteria provided, single submitter. Criteria: Invitae Variant Classification Sherloc (09022015). Collection method: clinical testing. Allele origin: germline.
Comment: This variant is not present in population databases (gnomAD no frequency). In summary, the available evidence is currently insufficient to determine the role of this variant in disease. Therefore, it has been classified as a Variant of Uncertain Significance. Algorithms developed to predict the effect of missense changes on protein structure and function are either unavailable or do not agree on the potential impact of this missense change (SIFT: "Tolerated"; PolyPhen-2: "Probably Damaging"; Align-GVGD: "Class C0"). ClinVar contains an entry for this variant (Variation ID: 44713). This missense change has been observed in individual(s) with dilated cardiomyopathy (PMID: 27532257, 31983221). This sequence change replaces glutamine, which is neutral and polar, with glutamic acid, which is acidic and polar, at codon 165 of the TCAP protein (p.Gln165Glu).

Laboratory for Molecular Medicine, Mass General Brigham Personalized Medicine
Classification: Uncertain significance. Last evaluated: 2012-06-01. Review status: criteria provided, single submitter. Criteria: LMM Criteria. Collection method: clinical testing. Allele origin: germline. Observed: 4 variant alleles.
Comment: This va riant has not been identified in a very large and broad population by the NHLBI Exome Sequencing Project, which is consistent with a pathogenic role. Computational analyses (biochemical amino acid properti es, conservation, AlignGVGD, PolyPhen2, and SIFT) do not provide strong support for or against an impact to the protein. Heterozygous TCAP variants have been de tected in patients with HCM, as well as DCM (Hayashi 2004, Bos 2006), but the ro le of TCAP in these disorders is still incompletely characterized. Homozygous TC AP variants have been associated with limb girdle muscular dystrophy (LGMD2G). Additional evidence is needed to determine its clinical significance.

Literature cited by the submitters: PubMed 27532257 (cited by Labcorp Genetics (formerly Invitae), Labcorp); PubMed 31983221 (cited by Labcorp Genetics (formerly Invitae), Labcorp); PubMed 16352453 (cited by Laboratory for Molecular Medicine, Mass General Brigham Personalized Medicine); PubMed 15582318 (cited by Laboratory for Molecular Medicine, Mass General Brigham Personalized Medicine).